The following is an entry in ClinVar:

ClinVar aggregate classification (germline): Uncertain significance. Review status: criteria provided, multiple submitters, no conflicts (2 of 4 stars). 3 submissions from 3 submitters: Uncertain significance (3). Last evaluated 2025-04-01.

Conditions:
Inborn genetic diseases. Identifiers: MedGen C0950123, MeSH D030342.
3M syndrome 2. Also called: 3-M Syndrome, OBSL1-Related; THREE M SYNDROME 2. Identifiers: Orphanet 2616, MedGen C2752041, MONDO:0013039, OMIM 612921.

Allele frequency attached by ClinVar (database versions not stated): gnomAD 0.00017 and 0.00018; TOPMed 0.00017; ESP Exome Variant Server 0.00024.
gnomAD v4.1: 522 of 1,612,894 alleles (0.032%); highest among the groups gnomAD compares: Non-Finnish European, 0.042%; no homozygotes.

Submissions (3):

Ambry Genetics
Classification: Uncertain significance for Inborn genetic diseases. Last evaluated: 2025-04-01. Review status: criteria provided, single submitter. Criteria: Ambry Variant Classification Scheme 2023. Collection method: clinical testing. Allele origin: germline.

Labcorp Genetics (formerly Invitae), Labcorp
Classification: Uncertain significance. Last evaluated: 2022-09-01. Review status: criteria provided, single submitter. Criteria: Invitae Variant Classification Sherloc (09022015). Collection method: clinical testing. Allele origin: germline.
Comment: This sequence change replaces threonine, which is neutral and polar, with proline, which is neutral and non-polar, at codon 730 of the OBSL1 protein (p.Thr730Pro). This variant is present in population databases (rs200676512, gnomAD 0.04%). This variant has not been reported in the literature in individuals affected with OBSL1-related conditions. ClinVar contains an entry for this variant (Variation ID: 334507). Algorithms developed to predict the effect of missense changes on protein structure and function (SIFT, PolyPhen-2, Align-GVGD) all suggest that this variant is likely to be tolerated. In summary, the available evidence is currently insufficient to determine the role of this variant in disease. Therefore, it has been classified as a Variant of Uncertain Significance.

Illumina Laboratory Services, Illumina
Classification: Uncertain significance for 3M syndrome 2. Last evaluated: 2018-01-13. Review status: criteria provided, single submitter. Criteria: ICSL Variant Classification Criteria 13 December 2019. Collection method: clinical testing. Allele origin: germline.

NM_015311.3(OBSL1):c.2188A>C (p.Thr730Pro)

Gene: OBSL1 (obscurin like cytoskeletal adaptor 1; minus strand). Cytogenetic location: 2q35.
Variant type: single nucleotide variant.
Coding change: c.2188A>C on transcript NM_015311.3 (MANE Select); coding-DNA position 2188, A replaced by C.
Protein change: p.Thr730Pro; replaces threonine 730 with proline.
Molecular consequence: missense variant.
Genome position (GRCh38, 1-based): chr2:219,565,461, T>G on the plus strand (A>C on the coding strand, the complement: OBSL1 is on the minus strand). VCF-style: chr2-219565461-T-G. GRCh37 (hg19) VCF-style: chr2-220430183-T-G.
Other names: c.2188A>C, p.Thr730Pro (NM_001173408.2, NM_001173431.2); short protein forms T730P.
Identifiers: ClinVar variation 334507 (VCV000334507.10), dbSNP rs200676512, ClinGen allele CA2131297.